The following is an entry in ClinVar:

ClinVar aggregate classification (germline): Likely benign. Review status: criteria provided, single submitter (1 of 4 stars). 2 submissions from 2 submitters: Likely benign (1). 1 of the submissions does not count toward it. Last evaluated 2025-03-03.

Conditions:
Short-rib thoracic dysplasia 7 with or without polydactyly (SRTD7). Also called: Short rib polydactyly syndrome 5; SHORT-RIB THORACIC DYSPLASIA 7 WITH POLYDACTYLY. Identifiers: Orphanet 498497, Orphanet 93271, MedGen C3279792, MONDO:0013569, OMIM 614091.
Cranioectodermal dysplasia 2 (CED2). Identifiers: Orphanet 1515, MedGen C3150874, MONDO:0013323, OMIM 613610.
WDR35-related disorder. Also called: WDR35-related disorders; WDR35-related condition. Identifiers: MedGen CN239419.

Allele frequency attached by ClinVar (database versions not stated): TOPMed 0.00003; gnomAD 0.00004 and 0.00005; gnomAD exomes 0.00007 and 0.00010; ExAC 0.00008; ESP Exome Variant Server 0.00008.
gnomAD v4.1: 145 of 1,613,252 alleles (0.009%); highest among the groups gnomAD compares: South Asian, 0.021%; no homozygotes.

Submissions (2):

Labcorp Genetics (formerly Invitae), Labcorp
Classification: Likely benign for Cranioectodermal dysplasia 2; Short-rib thoracic dysplasia 7 with or without polydactyly. Last evaluated: 2025-03-03. Review status: criteria provided, single submitter. Criteria: Invitae Variant Classification Sherloc (09022015). Collection method: clinical testing. Allele origin: germline.

PreventionGenetics, part of Exact Sciences
Classification: Likely benign for WDR35-related condition. Last evaluated: 2019-12-27. Review status: no assertion criteria provided. Collection method: clinical testing. Allele origin: germline. Not counted in ClinVar's aggregate classification.
Comment: This variant is classified as likely benign based on ACMG/AMP sequence variant interpretation guidelines (Richards et al. 2015 PMID: 25741868, with internal and published modifications).

NM_020779.4(WDR35):c.2877C>G (p.Leu959=)

Gene: WDR35 (WD repeat domain 35; minus strand). Cytogenetic location: 2p24.1.
Variant type: single nucleotide variant.
Coding change: c.2877C>G on transcript NM_020779.4 (MANE Select); coding-DNA position 2877, C replaced by G.
Protein change: p.Leu959=; no amino-acid change (leucine 959 retained).
Molecular consequence: synonymous variant.
Genome position (GRCh38, 1-based): chr2:19,931,356, G>C on the plus strand (C>G on the coding strand, the complement: WDR35 is on the minus strand). VCF-style: chr2-19931356-G-C. GRCh37 (hg19) VCF-style: chr2-20131117-G-C.
Other names: c.2910C>G, p.Leu970= (NM_001006657.2).
Identifiers: ClinVar variation 729553 (VCV000729553.11), dbSNP rs139447814, ClinGen allele CA1542817.